The following is an entry in ClinVar:

ClinVar aggregate classification (germline): Likely pathogenic (1 of 4 stars; one submission).

Conditions:
PNPLA6-related disorder. Also called: PNPLA6-related condition; PNPLA6-related disorders.

Submission:

PreventionGenetics, part of Exact Sciences
Classification: Likely pathogenic for PNPLA6-related condition. Last evaluated: 2023-03-29. Review status: criteria provided, single submitter. Criteria: ACMG Guidelines, 2015. Collection method: clinical testing. Allele origin: germline.
Comment: The PNPLA6 c.503dupT variant is predicted to result in a frameshift and premature protein termination (p.Gln170Profs*3). To our knowledge, this variant has not been reported in the literature or in a large population database, indicating this variant is rare. Frameshift variants in PNPLA6 are expected to be pathogenic. This variant is interpreted as likely pathogenic.

NM_001166114.2(PNPLA6):c.620dup (p.Gln209fs)

Gene: PNPLA6 (patatin like domain 6, lysophospholipase; plus strand). Cytogenetic location: 19p13.2.
Variant type: Duplication.
Coding change: c.620dup on transcript NM_001166114.2 (MANE Select); coding-DNA position 620, one base duplicated (T; older notation c.620dupT).
Protein change: p.Gln209fs; shifts the reading frame from glutamine 209.
Molecular consequence: frameshift variant.
Genome position (GRCh38, 1-based): chr19:7,540,214, T duplicated. VCF-style (leftmost placement, unchanged base first): chr19-7540213-C-CT. GRCh37 (hg19) VCF-style: chr19-7605099-C-CT.
Other names: c.647dup, p.Gln218fs (NM_001166111.2); c.503dup, p.Gln170fs (NM_001166112.2, NM_001166113.1, NM_006702.5); short protein forms Q170fs, Q209fs, Q218fs.
Identifiers: ClinVar variation 2633528 (VCV002633528.1), dbSNP rs2512497880, ClinGen allele CA2695198115.